The following is an entry in ClinVar:

NM_001042492.3(NF1):c.334C>G (p.Gln112Glu)

Gene: NF1 (neurofibromin 1; plus strand). Cytogenetic location: 17q11.2.
Variant type: single nucleotide variant.
Coding change: c.334C>G on transcript NM_001042492.3 (MANE Select); coding-DNA position 334, C replaced by G.
Protein change: p.Gln112Glu; replaces glutamine 112 with glutamic acid.
Molecular consequence: missense variant.
Genome position (GRCh38, 1-based): chr17:31,163,231, C>G. VCF-style: chr17-31163231-C-G. GRCh37 (hg19) VCF-style: chr17-29490249-C-G.
Other names: c.334C>G, p.Gln112Glu (NM_000267.4, NM_001128147.3); short protein forms Q112E.
Identifiers: ClinVar variation 1720066 (VCV001720066.5), dbSNP rs1555606061, ClinGen allele CA398981726.

ClinVar aggregate classification (germline): Uncertain significance (1 of 4 stars; one submission).

Conditions:
Neurofibromatosis, type 1 (NF1). Also called: Peripheral type neurofibromatosis; VON RECKLINGHAUSEN DISEASE; NEUROFIBROMATOSIS, TYPE I, SOMATIC; Neurofibromatosis, type I. Identifiers: Orphanet 636, MedGen C0027831, MONDO:0018975, OMIM 162200. Disease mechanism: loss of function.

Submission:

Labcorp Genetics (formerly Invitae), Labcorp
Classification: Uncertain significance for Neurofibromatosis, type 1. Last evaluated: 2022-09-22. Review status: criteria provided, single submitter. Criteria: Invitae Variant Classification Sherloc (09022015). Collection method: clinical testing. Allele origin: germline.
Comment: In summary, the available evidence is currently insufficient to determine the role of this variant in disease. Therefore, it has been classified as a Variant of Uncertain Significance. Advanced modeling of protein sequence and biophysical properties (such as structural, functional, and spatial information, amino acid conservation, physicochemical variation, residue mobility, and thermodynamic stability) performed at Invitae indicates that this missense variant is expected to disrupt NF1 protein function. This variant has not been reported in the literature in individuals affected with NF1-related conditions. This variant is not present in population databases (gnomAD no frequency). This sequence change replaces glutamine, which is neutral and polar, with glutamic acid, which is acidic and polar, at codon 112 of the NF1 protein (p.Gln112Glu).